The following is an entry in ClinVar:

NM_006648.4(WNK2):c.2063C>A (p.Ala688Asp)

Gene: WNK2 (WNK lysine deficient protein kinase 2; plus strand). Cytogenetic location: 9q22.31.
Variant type: single nucleotide variant.
Coding change: c.2063C>A on transcript NM_006648.4 (MANE Select); coding-DNA position 2063, C replaced by A.
Protein change: p.Ala688Asp; replaces alanine 688 with aspartic acid.
Molecular consequence: missense variant.
Genome position (GRCh38, 1-based): chr9:93,256,327, C>A. VCF-style: chr9-93256327-C-A. GRCh37 (hg19) VCF-style: chr9-96018609-C-A.
Other names: c.2063C>A, p.Ala688Asp (NM_001282394.3); short protein forms A688D.
Identifiers: ClinVar variation 4826257 (VCV004826257.1).

ClinVar aggregate classification (germline): Uncertain significance (1 of 4 stars; one submission).

Submission:

Ambry Genetics
Classification: Uncertain significance. Last evaluated: 2026-03-12. Review status: criteria provided, single submitter. Criteria: Ambry Variant Classification Scheme 2023. Collection method: clinical testing. Allele origin: germline.
Comment: The p.A688D variant (also known as c.2063C>A), located in coding exon 9 of the WNK2 gene, results from a C to A substitution at nucleotide position 2063. The alanine at codon 688 is replaced by aspartic acid, an amino acid with dissimilar properties. This amino acid position is conserved. In addition, this alteration is predicted to be tolerated by in silico analysis. Based on the available evidence, the clinical significance of this variant remains unclear.